The following is an entry in ClinVar:

ClinVar aggregate classification (germline): Uncertain significance (1 of 4 stars; one submission).

Conditions:
Inosine triphosphatase deficiency. Also called: INOSINE TRIPHOSPHATE PYROPHOSPHOHYDROLASE DEFICIENCY. Identifiers: MedGen C0342800, MONDO:0013461, OMIM 613850.

Allele frequency attached by ClinVar (database versions not stated): TOPMed below 0.00001; ExAC 0.00001.
gnomAD v4.1: 1 of 1,614,138 alleles (0.000062%); no homozygotes.

Submission:

Labcorp Genetics (formerly Invitae), Labcorp
Classification: Uncertain significance for Inosine triphosphatase deficiency. Last evaluated: 2024-08-14. Review status: criteria provided, single submitter. Criteria: Invitae Variant Classification Sherloc (09022015). Collection method: clinical testing. Allele origin: germline.
Comment: This sequence change replaces proline, which is neutral and non-polar, with threonine, which is neutral and polar, at codon 67 of the ITPA protein (p.Pro67Thr). This variant is present in population databases (rs766652238, gnomAD no frequency). This variant has not been reported in the literature in individuals affected with ITPA-related conditions. ClinVar contains an entry for this variant (Variation ID: 2149173). An algorithm developed to predict the effect of missense changes on protein structure and function (PolyPhen-2) suggests that this variant is likely to be disruptive. In summary, the available evidence is currently insufficient to determine the role of this variant in disease. Therefore, it has been classified as a Variant of Uncertain Significance.

NM_033453.4(ITPA):c.199C>A (p.Pro67Thr)

Gene: ITPA (inosine triphosphatase; plus strand). Cytogenetic location: 20p13.
Variant type: single nucleotide variant.
Coding change: c.199C>A on transcript NM_033453.4 (MANE Select); coding-DNA position 199, C replaced by A.
Protein change: p.Pro67Thr; replaces proline 67 with threonine.
Molecular consequence: missense variant. On other transcripts: 5 prime UTR variant (4), non-coding transcript variant (2).
Genome position (GRCh38, 1-based): chr20:3,213,994, C>A. VCF-style: chr20-3213994-C-A. GRCh37 (hg19) VCF-style: chr20-3194640-C-A.
Other names: c.76C>A, p.Pro26Thr (NM_001267623.2); c.-139C>A (NM_001324236.2, NM_001324237.2, NM_001324238.2 and 1 more transcripts); c.199C>A, p.Pro67Thr (NM_001324240.2, NM_001424408.1); c.325C>A, p.Pro109Thr (NM_001424409.1); c.148C>A, p.Pro50Thr (NM_181493.4); short protein forms P26T, P67T, P50T, P109T.
Identifiers: ClinVar variation 2149173 (VCV002149173.3), dbSNP rs766652238, ClinGen allele CA9741211.